The following is an entry in ClinVar:

NM_014697.3(NOS1AP):c.816TTC[2] (p.Ser276del)

Gene: NOS1AP (nitric oxide synthase 1 adaptor protein; plus strand). Cytogenetic location: 1q23.3.
Variant type: Microsatellite.
Coding change: c.816TTC[2] on transcript NM_014697.3 (MANE Select); two copies in a row of the 3-base unit TTC starting at c.816; the reference has three copies in a row; one copy, 3 bases deleted.
Protein change: p.Ser276del; deletes serine 276.
Molecular consequence: inframe deletion.
Genome position (GRCh38, 1-based): chr1:162,357,019-162,357,021, TTC deleted; deleting any 3 consecutive bases within chr1:162,357,012-162,357,021 gives the same sequence; the position shown is the placement nearest the transcript's 3' end. VCF-style (leftmost placement, unchanged base first): chr1-162357011-CCTT-C. GRCh37 (hg19) VCF-style: chr1-162326801-CCTT-C.
Other names: c.801TTC[2], p.Ser271del (NM_001164757.2); c.822_824delTTC (NM_014697.2); short protein forms S271del, S276del.
Identifiers: ClinVar variation 666397 (VCV000666397.2).
Genomic context (GRCh38, chr1:162,357,011, plus strand): 5'-CTCCTCCAGGTTTCGCACCCCCAGGAGCCCATGCTGACAGCCTCACCCAGGATGCTGCTC[CCTT>C]CTTCTTCCTCGAAGCCTCCAGGCCTGGGCACAGAGACACCGCTGTCCACTCACCACCAGA-3'

ClinVar aggregate classification (germline): Likely benign. Review status: criteria provided, multiple submitters, no conflicts (2 of 4 stars). 2 submissions from 2 submitters: Likely benign (2). Last evaluated 2024-11-05.

Conditions:
NOS1AP-related disorder. Also called: NOS1AP-related condition.

Submissions (2):

Blueprint Genetics
Classification: Likely benign. Last evaluated: 2024-11-05. Review status: criteria provided, single submitter. Criteria: ACMG Guidelines, 2015. Collection method: clinical testing. Allele origin: germline.

PreventionGenetics, part of Exact Sciences
Classification: Likely benign for NOS1AP-related condition. Last evaluated: 2024-10-16. Review status: criteria provided, single submitter. Criteria: ACMG Guidelines, 2015. Collection method: clinical testing. Allele origin: germline.
Comment: This variant is classified as likely benign based on ACMG/AMP sequence variant interpretation guidelines (Richards et al. 2015 PMID: 25741868, with internal and published modifications).